The following is an entry in ClinVar:

NM_080680.3(COL11A2):c.3280C>G (p.Gln1094Glu)

Gene: COL11A2 (collagen type XI alpha 2 chain; minus strand). Cytogenetic location: 6p21.32.
Variant type: single nucleotide variant.
Coding change: c.3280C>G on transcript NM_080680.3 (MANE Select); coding-DNA position 3280, C replaced by G.
Protein change: p.Gln1094Glu; replaces glutamine 1094 with glutamic acid.
Molecular consequence: missense variant.
Genome position (GRCh38, 1-based): chr6:33,171,303, G>C on the plus strand (C>G on the coding strand, the complement: COL11A2 is on the minus strand). VCF-style: chr6-33171303-G-C. GRCh37 (hg19) VCF-style: chr6-33139080-G-C.
Other names: c.3100C>G, p.Gln1034Glu (NM_001424108.1); c.2434C>G, p.Gln812Glu (NM_001424109.1); c.2254C>G, p.Gln752Glu (NM_001424110.1, NM_001424111.1); c.1234C>G, p.Gln412Glu (NM_001424112.1); c.2959C>G, p.Gln987Glu (NM_080679.3); c.3022C>G, p.Gln1008Glu (NM_080681.3); short protein forms Q1094E, Q412E, Q752E, Q812E, Q1008E, Q1034E, Q987E.
Identifiers: ClinVar variation 2810812 (VCV002810812.4), dbSNP rs1330692558, ClinGen allele CA363635352.

ClinVar aggregate classification (germline): Uncertain significance. Review status: criteria provided, multiple submitters, no conflicts (2 of 4 stars). 2 submissions from 2 submitters: Uncertain significance (2). Last evaluated 2025-03-17.

Allele frequency attached by ClinVar (database versions not stated): gnomAD exomes below 0.00001.
gnomAD v4.1: 1 of 1,614,200 alleles (0.000062%); highest among the groups gnomAD compares: Non-Finnish European, 0.000085%; no homozygotes.

Submissions (2):

Labcorp Genetics (formerly Invitae), Labcorp
Classification: Uncertain significance. Last evaluated: 2025-03-17. Review status: criteria provided, single submitter. Criteria: Invitae Variant Classification Sherloc (09022015). Collection method: clinical testing. Allele origin: germline.
Comment: This sequence change replaces glutamine, which is neutral and polar, with glutamic acid, which is acidic and polar, at codon 1094 of the COL11A2 protein (p.Gln1094Glu). This variant is present in population databases (no rsID available, gnomAD 0.0009%). This variant has not been reported in the literature in individuals affected with COL11A2-related conditions. ClinVar contains an entry for this variant (Variation ID: 2810812). Invitae Evidence Modeling of protein sequence and biophysical properties (such as structural, functional, and spatial information, amino acid conservation, physicochemical variation, residue mobility, and thermodynamic stability) indicates that this missense variant is not expected to disrupt COL11A2 protein function with a negative predictive value of 95%. In summary, the available evidence is currently insufficient to determine the role of this variant in disease. Therefore, it has been classified as a Variant of Uncertain Significance.

Blueprint Genetics
Classification: Uncertain significance. Last evaluated: 2024-04-26. Review status: criteria provided, single submitter. Criteria: ACMG Guidelines, 2015. Collection method: clinical testing. Allele origin: germline.